The following is an entry in ClinVar:

NM_001042492.3(NF1):c.92_95dup (p.Lys33fs)

Gene: NF1 (neurofibromin 1; plus strand). Cytogenetic location: 17q11.2.
Variant type: Duplication.
Coding change: c.92_95dup on transcript NM_001042492.3 (MANE Select); coding-DNA positions 92 to 95, 4 bases duplicated (ATAC; older notation c.92_95dupATAC).
Protein change: p.Lys33fs; shifts the reading frame from lysine 33.
Molecular consequence: frameshift variant.
Genome position (GRCh38, 1-based): chr17:31,156,014-31,156,017, ATAC duplicated; duplicating any 4 consecutive bases within chr17:31,156,012-31,156,017 gives the same sequence; the c. name uses the placement nearest the transcript's 3' end. VCF-style (leftmost placement, unchanged base first): chr17-31156011-C-CACAT. GRCh37 (hg19) VCF-style: chr17-29483029-C-CACAT.
Other names: c.92_95dup, p.Lys33Tyrfs (NM_000267.4); c.92_95dup, p.Lys33fs (NM_001128147.3); short protein forms K33fs.
Identifiers: ClinVar variation 3647642 (VCV003647642.2).
Genomic context (GRCh38, chr17:31,156,011, plus strand): 5'-GTTAACGTGTTTTTTTTTTCTTTTTTTTTCAGCTTCCAATAAAAACAGGACAGCAGAACA[C>CACAT]ACATACCAAAGTCAGTACTGAGCACAACAAGGAATGTCTAATCAATATTTCCAAATACAA-3'

ClinVar aggregate classification (germline): Pathogenic (1 of 4 stars; one submission).

Conditions:
Neurofibromatosis, type 1 (NF1). Also called: Peripheral type neurofibromatosis; VON RECKLINGHAUSEN DISEASE; Neurofibromatosis, type I; NEUROFIBROMATOSIS, TYPE I, SOMATIC. Identifiers: Orphanet 636, MedGen C0027831, MONDO:0018975, OMIM 162200. Disease mechanism: loss of function.

Submission:

Labcorp Genetics (formerly Invitae), Labcorp
Classification: Pathogenic for Neurofibromatosis, type 1. Last evaluated: 2024-03-26. Review status: criteria provided, single submitter. Criteria: Invitae Variant Classification Sherloc (09022015). Collection method: clinical testing. Allele origin: germline.
Comment: This sequence change creates a premature translational stop signal (p.Lys33Tyrfs*6) in the NF1 gene. It is expected to result in an absent or disrupted protein product. Loss-of-function variants in NF1 are known to be pathogenic (PMID: 10712197, 23913538). This variant is not present in population databases (gnomAD no frequency). This variant has not been reported in the literature in individuals affected with NF1-related conditions. For these reasons, this variant has been classified as Pathogenic.

Literature cited by the submitters: PubMed 10712197; PubMed 23913538.